The following is an entry in ClinVar:

NM_001165963.4(SCN1A):c.2792G>A (p.Arg931His)

Gene: SCN1A (sodium voltage-gated channel alpha subunit 1; minus strand). Cytogenetic location: 2q24.3.
Variant type: single nucleotide variant.
Coding change: c.2792G>A on transcript NM_001165963.4 (MANE Select); coding-DNA position 2792, G replaced by A.
Protein change: p.Arg931His; replaces arginine 931 with histidine.
Molecular consequence: missense variant. On other transcripts: non-coding transcript variant (1).
Genome position (GRCh38, 1-based): chr2:166,037,930, C>T on the plus strand (G>A on the coding strand, the complement: SCN1A is on the minus strand). VCF-style: chr2-166037930-C-T. GRCh37 (hg19) VCF-style: chr2-166894440-C-T.
Other names: c.2708G>A, p.Arg903His (NM_001165964.3, NM_001353957.2, NM_001353958.2); c.2792G>A, p.Arg931His (NM_001202435.3, NM_001353948.2); c.2759G>A, p.Arg920His (NM_001353949.2, NM_001353950.2, NM_001353951.2 and 2 more transcripts); c.2756G>A, p.Arg919His (NM_001353954.2, NM_001353955.2); c.2705G>A, p.Arg902His (NM_001353960.2); c.350G>A, p.Arg117His (NM_001353961.2); short protein forms R920H, R931H, R902H, R919H, R903H, R117H.
Identifiers: ClinVar variation 189869 (VCV000189869.14), dbSNP rs794726718, ClinGen allele CA303154.

ClinVar aggregate classification (germline): Pathogenic. Review status: reviewed by expert panel (3 of 4 stars). 8 submissions from 8 submitters: Pathogenic (1). 7 of the submissions do not count toward it. Last evaluated 2024-05-09.

Conditions:
Early-infantile DEE. Also called: Early infantile epileptic encephalopathy with suppression bursts; Early infantile epileptic encephalopathy; Ohtahara syndrome. Identifiers: Orphanet 1934, MedGen C0393706, MONDO:0800491.
SCN1A-related disorder. Also called: SCN1A-related conditions; SCN1A-related condition; SCN1A-related disorders.
Generalized epilepsy with febrile seizures plus, type 2 (GEFSP2). Also called: GEFS+, TYPE 2. Identifiers: Orphanet 36387, MedGen C1858673, MONDO:0011461, OMIM 604403.
Severe myoclonic epilepsy in infancy (DRVT). Also called: Epileptic encephalopathy, early infantile, 6 (Dravet syndrome); Dravet syndrome; SEVERE MYOCLONIC EPILEPSY OF INFANCY; DEVELOPMENTAL AND EPILEPTIC ENCEPHALOPATHY 6A; Severe Myoclonic Epilepsy in Infancy (SMEI). Identifiers: Orphanet 33069, MedGen C0751122, MONDO:0100135, OMIM 607208.
Migraine, familial hemiplegic, 3. Identifiers: Orphanet 569, MedGen C1864987, MONDO:0012320, OMIM 609634.

Submissions (8):

ClinGen Epilepsy Sodium Channel Variant Curation Expert Panel, Clingen
Classification: Pathogenic for Severe myoclonic epilepsy in infancy. Last evaluated: 2024-05-09. Review status: reviewed by expert panel. Criteria: ClinGen EpilepsySCN ACMG Specifications SCN1A V1.0.0. Collection method: curation. Allele origin: germline. Inheritance: Autosomal dominant inheritance.
Comment: The c.2792G>A variant in SCN1A is a missense variant predicted to cause substitution of arginine by histidine at amino acid 931 (p.Arg931His). The variant has been identified as a de novo occurrence with unconfirmed parental relationships in at least 2 individual(s) with Dravet syndrome (PMIDs: 28079314, 35072530) (PM6_Strong), and in at least 3 unrelated individuals with Dravet syndrome with unknown inheritance (PMIDs: 21719429, 31031587, 33067208) (PS4), with additional evidence available in the literature. The variant is absent from gnomAD v2.1.1 (PM2_Supporting). The computational predictor REVEL gives a score of 0.966, which is above the threshold of 0.773, evidence that correlates with a maximum strength of PP3_Moderate. In summary, this variant meets the criteria to be classified as pathogenic for autosomal dominant Dravet syndrome based on the ACMG/AMP criteria applied, as specified by the ClinGen Epilepsy Sodium Channel VCEP: PM6_Strong, PS4, PM2_Supporting, PP3_Moderate. (version 1; approved August 4, 2023).

Labcorp Genetics (formerly Invitae), Labcorp
Classification: Pathogenic for Early-infantile DEE. Last evaluated: 2024-12-02. Review status: criteria provided, single submitter. Criteria: Invitae Variant Classification Sherloc (09022015). Collection method: clinical testing. Allele origin: germline. Not counted in ClinVar's aggregate classification.
Comment: This sequence change replaces arginine, which is basic and polar, with histidine, which is basic and polar, at codon 931 of the SCN1A protein (p.Arg931His). This variant is not present in population databases (gnomAD no frequency). This missense change has been observed in individual(s) with Dravet syndrome (PMID: 22780858, 25243660, 27231140, 28079314). In at least one individual the variant was observed to be de novo. ClinVar contains an entry for this variant (Variation ID: 189869). Invitae Evidence Modeling of protein sequence and biophysical properties (such as structural, functional, and spatial information, amino acid conservation, physicochemical variation, residue mobility, and thermodynamic stability) indicates that this missense variant is expected to disrupt SCN1A protein function with a positive predictive value of 95%. This variant disrupts the p.Arg931 amino acid residue in SCN1A. Other variant(s) that disrupt this residue have been determined to be pathogenic (PMID: 12083760, 18076640). This suggests that this residue is clinically significant, and that variants that disrupt this residue are likely to be disease-causing. For these reasons, this variant has been classified as Pathogenic.

GeneDx
Classification: Pathogenic. Last evaluated: 2023-12-12. Review status: criteria provided, single submitter. Criteria: GeneDx Variant Classification Process June 2021. Collection method: clinical testing. Allele origin: germline. Affected: yes. Not counted in ClinVar's aggregate classification.
Comment: This substitution is predicted to be within the extracellular loop between the S5 and S6 transmembrane segments of the second homologous domain; Not observed at significant frequency in large population cohorts (gnomAD); In silico analysis supports that this missense variant has a deleterious effect on protein structure/function; Missense variants in this gene are a common cause of disease and they are underrepresented in the general population; This variant is associated with the following publications: (PMID: 33067208, 21719429, 21248271, 32613771, 31031587, 35074891, 26096185, 22780858, 30868114, 35944423, 35072530, 28079314, 31440721)

Blueprint Genetics
Classification: Pathogenic for SCN1A-related disorders. Last evaluated: 2022-10-27. Review status: criteria provided, single submitter. Criteria: ACMG Guidelines, 2015. Collection method: clinical testing. Allele origin: germline. Affected: yes. Observed: 1 variant allele. Not counted in ClinVar's aggregate classification.

Fulgent Genetics
Classification: Pathogenic for Generalized epilepsy with febrile seizures plus, type 2; Severe myoclonic epilepsy in infancy; Migraine, familial hemiplegic, 3. Last evaluated: 2018-10-31. Review status: criteria provided, single submitter. Criteria: ACMG Guidelines, 2015. Collection method: clinical testing. Allele origin: unknown. Not counted in ClinVar's aggregate classification.

Athena Diagnostics
Classification: Pathogenic for Severe myoclonic epilepsy in infancy. Last evaluated: 2015-04-15. Review status: criteria provided, single submitter. Criteria: Athena Diagnostics Criteria. Collection method: clinical testing. Allele origin: germline. Inheritance: Autosomal dominant inheritance. Not counted in ClinVar's aggregate classification.

Center for Bioinformatics, Peking University
Classification: Pathogenic for Dravet syndrome. Last evaluated: 2014-12-20. Review status: criteria provided, single submitter. Criteria: Xu et al. (Hum Mutat. 2015). Collection method: research. Allele origin: de novo. Affected: yes. Observed: 3 variant alleles. Study: University Clinical Cooperation “985 Project” PKU-2014-1-1. Not counted in ClinVar's aggregate classification.
Comment: Dravet syndrome (DS) probands were recruited from the outpatient and inpatient child neurology units of Peking University First Hospital from 2005 till present. The study was approved by the Ethics Committee of Peking University First Hospital and the Institutional Review Board at Peking University. Participants or their parents provided written informed consent before enrollment. We collected a total of 267 mutations from 255 families with probands diagnosed with DS in China. All probands fulfilled the clinical diagnostic criteria.

Center of Excellence for Medical Genomics, Chulalongkorn University
Classification: Pathogenic for Migraine, familial hemiplegic, 3. Last evaluated: 2002-09-08. Review status: no assertion criteria provided. Collection method: research. Allele origin: unknown. Affected: yes. Not counted in ClinVar's aggregate classification.

Literature cited by the submitters: PubMed 22780858 (cited by Labcorp Genetics (formerly Invitae), Labcorp and Athena Diagnostics); PubMed 25243660 (cited by Labcorp Genetics (formerly Invitae), Labcorp); PubMed 27231140 (cited by Labcorp Genetics (formerly Invitae), Labcorp); PubMed 28079314 (cited by Labcorp Genetics (formerly Invitae), Labcorp); PubMed 12083760 (cited by Labcorp Genetics (formerly Invitae), Labcorp); PubMed 18076640 (cited by Labcorp Genetics (formerly Invitae), Labcorp); PubMed 21248271 (cited by Athena Diagnostics); PubMed 21719429 (cited by Athena Diagnostics).